The following is an entry in ClinVar:

ClinVar aggregate classification (germline): Uncertain significance. Review status: criteria provided, multiple submitters, no conflicts (2 of 4 stars). 3 submissions from 3 submitters: Uncertain significance (3). Last evaluated 2025-09-03.

Conditions:
TRRAP-related disorder. Also called: TRRAP-related condition.

Allele frequency attached by ClinVar (database versions not stated): ExAC 0.00002; TOPMed 0.00004; gnomAD 0.00006; ESP Exome Variant Server 0.00008; gnomAD exomes 0.00008; 1000 Genomes Project 30x 0.00016.
gnomAD v4.1: 124 of 1,613,912 alleles (0.0077%); highest among the groups gnomAD compares: Non-Finnish European, 0.01%; no homozygotes.

Submissions (3):

PreventionGenetics, part of Exact Sciences
Classification: Uncertain significance for TRRAP-related condition. Last evaluated: 2025-09-03. Review status: criteria provided, single submitter. Criteria: ACMG Guidelines, 2015. Collection method: clinical testing. Allele origin: germline.
Comment: The TRRAP c.7514A>G variant is predicted to result in the amino acid substitution p.Asn2505Ser. To our knowledge, this variant has not been reported in the literature. This variant is reported in 0.0040% of alleles in individuals of African descent in gnomAD. At this time, the clinical significance of this variant is uncertain due to the absence of conclusive functional and genetic evidence.

Revvity Omics, Revvity
Classification: Uncertain significance. Last evaluated: 2024-04-12. Review status: criteria provided, single submitter. Criteria: ACMG Guidelines, 2015. Collection method: clinical testing. Allele origin: germline.

Labcorp Genetics (formerly Invitae), Labcorp
Classification: Uncertain significance. Last evaluated: 2024-04-07. Review status: criteria provided, single submitter. Criteria: Invitae Variant Classification Sherloc (09022015). Collection method: clinical testing. Allele origin: germline.
Comment: This sequence change replaces asparagine, which is neutral and polar, with serine, which is neutral and polar, at codon 2505 of the TRRAP protein (p.Asn2505Ser). This variant is present in population databases (rs149937055, gnomAD 0.004%). This variant has not been reported in the literature in individuals affected with TRRAP-related conditions. ClinVar contains an entry for this variant (Variation ID: 1896407). Advanced modeling of protein sequence and biophysical properties (such as structural, functional, and spatial information, amino acid conservation, physicochemical variation, residue mobility, and thermodynamic stability) performed at Invitae indicates that this missense variant is not expected to disrupt TRRAP protein function with a negative predictive value of 80%. In summary, the available evidence is currently insufficient to determine the role of this variant in disease. Therefore, it has been classified as a Variant of Uncertain Significance.

NM_001375524.1(TRRAP):c.7589A>G (p.Asn2530Ser)

Gene: TRRAP (transformation/transcription domain associated protein; plus strand). Cytogenetic location: 7q22.1.
Variant type: single nucleotide variant.
Coding change: c.7589A>G on transcript NM_001375524.1 (MANE Select); coding-DNA position 7589, A replaced by G.
Protein change: p.Asn2530Ser; replaces asparagine 2530 with serine.
Molecular consequence: missense variant.
Genome position (GRCh38, 1-based): chr7:98,970,188, A>G. VCF-style: chr7-98970188-A-G. GRCh37 (hg19) VCF-style: chr7-98567811-A-G.
Other names: c.7568A>G, p.Asn2523Ser (NM_001244580.2); c.7514A>G, p.Asn2505Ser (NM_003496.4); c.7514A>G (NM_003496.3); short protein forms N2530S, N2505S, N2523S.
Identifiers: ClinVar variation 1896407 (VCV001896407.7), dbSNP rs149937055, ClinGen allele CA4361192.